The following is an entry in ClinVar:

NM_152618.3(BBS12):c.1076T>C (p.Ile359Thr)

Gene: BBS12 (Bardet-Biedl syndrome 12; plus strand). Cytogenetic location: 4q27.
Variant type: single nucleotide variant.
Coding change: c.1076T>C on transcript NM_152618.3 (MANE Select); coding-DNA position 1076, T replaced by C.
Protein change: p.Ile359Thr; replaces isoleucine 359 with threonine.
Molecular consequence: missense variant.
Genome position (GRCh38, 1-based): chr4:122,742,968, T>C. VCF-style: chr4-122742968-T-C. GRCh37 (hg19) VCF-style: chr4-123664123-T-C.
Other names: c.1076T>C, p.Ile359Thr (NM_001178007.2); short protein forms I359T.
Identifiers: ClinVar variation 2629522 (VCV002629522.2), dbSNP rs1800908632, ClinGen allele CA358224341.

ClinVar aggregate classification (germline): Uncertain significance. Review status: criteria provided, multiple submitters, no conflicts (2 of 4 stars). 2 submissions from 2 submitters: Uncertain significance (2). Last evaluated 2024-04-04.

Conditions:
Bardet-Biedl syndrome 12 (BBS12). Identifiers: Orphanet 110, MedGen C1859570, MONDO:0014440, OMIM 615989.
BBS12-related disorder. Also called: BBS12-related condition.

Submissions (2):

Fulgent Genetics
Classification: Uncertain significance for Bardet-Biedl syndrome 12. Last evaluated: 2024-04-04. Review status: criteria provided, single submitter. Criteria: ACMG Guidelines, 2015. Collection method: clinical testing. Allele origin: germline.

PreventionGenetics, part of Exact Sciences
Classification: Uncertain significance for BBS12-related condition. Last evaluated: 2023-08-11. Review status: criteria provided, single submitter. Criteria: ACMG Guidelines, 2015. Collection method: clinical testing. Allele origin: germline.
Comment: The BBS12 c.1076T>C variant is predicted to result in the amino acid substitution p.Ile359Thr. To our knowledge, this variant has not been reported in the literature or in a large population database, indicating this variant is rare. At this time, the clinical significance of this variant is uncertain due to the absence of conclusive functional and genetic evidence.